The following is an entry in ClinVar:

NM_015692.5(CPAMD8):c.4849-9G>A

Gene: CPAMD8 (C3 and PZP like alpha-2-macroglobulin domain containing 8; minus strand). Cytogenetic location: 19p13.11.
Variant type: single nucleotide variant.
Coding change: c.4849-9G>A on transcript NM_015692.5 (MANE Select); 9 bases into the intron before coding-DNA position 4849, G replaced by A.
Molecular consequence: intron variant.
Genome position (GRCh38, 1-based): chr19:16,898,003, C>T on the plus strand (G>A on the coding strand, the complement: CPAMD8 is on the minus strand). VCF-style: chr19-16898003-C-T. GRCh37 (hg19) VCF-style: chr19-17008814-C-T.
Identifiers: ClinVar variation 3038457 (VCV003038457.2), dbSNP rs765610042, ClinGen allele CA9284440.

ClinVar aggregate classification (germline): Likely benign (0 of 4 stars; one submission).

Conditions:
CPAMD8-related disorder. Also called: CPAMD8-related condition.

Allele frequency attached by ClinVar (database versions not stated): TOPMed 0.00002; gnomAD exomes 0.00003; gnomAD 0.00008; ExAC 0.00009.

Submission:

PreventionGenetics, part of Exact Sciences
Classification: Likely benign for CPAMD8-related condition. Last evaluated: 2019-05-28. Review status: no assertion criteria provided. Collection method: clinical testing. Allele origin: germline.
Comment: This variant is classified as likely benign based on ACMG/AMP sequence variant interpretation guidelines (Richards et al. 2015 PMID: 25741868, with internal and published modifications).